The following is an entry in ClinVar:

NM_000530.8(MPZ):c.382G>T (p.Asp128Tyr)

Gene: MPZ (myelin protein zero; minus strand). Cytogenetic location: 1q23.3.
Variant type: single nucleotide variant.
Coding change: c.382G>T on transcript NM_000530.8 (MANE Select); coding-DNA position 382, G replaced by T.
Protein change: p.Asp128Tyr; replaces aspartic acid 128 with tyrosine.
Molecular consequence: missense variant.
Genome position (GRCh38, 1-based): chr1:161,306,774, C>A on the plus strand (G>T on the coding strand, the complement: MPZ is on the minus strand). VCF-style: chr1-161306774-C-A. GRCh37 (hg19) VCF-style: chr1-161276564-C-A.
Other names: c.382G>T, p.Asp128Tyr (NM_001315491.2); short protein forms D128Y.
Identifiers: ClinVar variation 1064119 (VCV001064119.9), dbSNP rs267607243, ClinGen allele CA343348854.

ClinVar aggregate classification (germline): Uncertain significance (1 of 4 stars; one submission).

Conditions:
Charcot-Marie-Tooth disease, type I (CMT1). Also called: Charcot-Marie-Tooth, Type 1; Charcot-Marie-Tooth disease type 1. Identifiers: Orphanet 65753, MedGen C0751036, MONDO:0019011.

Allele frequency attached by ClinVar (database versions not stated): TOPMed below 0.00001.

Submission:

Labcorp Genetics (formerly Invitae), Labcorp
Classification: Uncertain significance for Charcot-Marie-Tooth disease, type I. Last evaluated: 2025-04-13. Review status: criteria provided, single submitter. Criteria: Invitae Variant Classification Sherloc (09022015). Collection method: clinical testing. Allele origin: germline.
Comment: This sequence change replaces aspartic acid, which is acidic and polar, with tyrosine, which is neutral and polar, at codon 128 of the MPZ protein (p.Asp128Tyr). This variant is not present in population databases (gnomAD no frequency). This variant has not been reported in the literature in individuals affected with MPZ-related conditions. ClinVar contains an entry for this variant (Variation ID: 1064119). Invitae Evidence Modeling of protein sequence and biophysical properties (such as structural, functional, and spatial information, amino acid conservation, physicochemical variation, residue mobility, and thermodynamic stability) has been performed for this missense variant. However, the output from this modeling did not meet the statistical confidence thresholds required to predict the impact of this variant on MPZ protein function. This variant disrupts the p.Asp128 amino acid residue in MPZ. Other variant(s) that disrupt this residue have been determined to be pathogenic (PMID: 10463363). This suggests that this residue is clinically significant, and that variants that disrupt this residue are likely to be disease-causing. In summary, the available evidence is currently insufficient to determine the role of this variant in disease. Therefore, it has been classified as a Variant of Uncertain Significance.

Literature cited by the submitters: PubMed 10463363.